The following is an entry in ClinVar:

ClinVar aggregate classification (germline): Benign. Review status: criteria provided, multiple submitters, no conflicts (2 of 4 stars). 2 submissions from 2 submitters: Benign (2). Last evaluated 2019-01-11.

Allele frequency attached by ClinVar (database versions not stated): ESP Exome Variant Server 0.02776; TOPMed 0.03375; gnomAD 0.03376 and 0.03532; ExAC 0.04508; gnomAD exomes 0.04646; 1000 Genomes Project 30x 0.04966; 1000 Genomes Project 0.05112.

Submissions (2):

GeneDx
Classification: Benign. Last evaluated: 2019-01-11. Review status: criteria provided, single submitter. Criteria: GeneDx Variant Classification Process June 2021. Collection method: clinical testing. Allele origin: germline. Affected: yes.
Comment: This variant is associated with the following publications: (PMID: 29767709)

Breakthrough Genomics
Classification: Benign. Review status: criteria provided, single submitter. Criteria: ACMG Guidelines, 2015. Collection method: not provided. Allele origin: germline. Inheritance: Unknown mechanism. Affected: yes.

NM_144682.6(SLFN13):c.704C>T (p.Ser235Phe)

Gene: SLFN13 (schlafen family member 13; minus strand). Cytogenetic location: 17q12.
Variant type: single nucleotide variant.
Coding change: c.704C>T on transcript NM_144682.6 (MANE Select); coding-DNA position 704, C replaced by T.
Protein change: p.Ser235Phe; replaces serine 235 with phenylalanine.
Molecular consequence: missense variant.
Genome position (GRCh38, 1-based): chr17:35,444,977, G>A on the plus strand (C>T on the coding strand, the complement: SLFN13 is on the minus strand). VCF-style: chr17-35444977-G-A. GRCh37 (hg19) VCF-style: chr17-33771996-G-A.
Other names: short protein forms S235F.
Identifiers: ClinVar variation 1178111 (VCV001178111.3), dbSNP rs72483216, ClinGen allele CA8503969.